The following is an entry in ClinVar:

ClinVar aggregate classification (germline): Uncertain significance. Review status: criteria provided, multiple submitters, no conflicts (2 of 4 stars). 2 submissions from 2 submitters: Uncertain significance (2). Last evaluated 2023-05-15.

Conditions:
Rienhoff syndrome. Also called: LOEYS-DIETZ SYNDROME 5. Identifiers: MedGen C3810012, MONDO:0014262, OMIM 615582.
Familial thoracic aortic aneurysm and aortic dissection (TAAD). Also called: Thoracic aortic aneurysms and dissections. Identifiers: Orphanet 91387, MedGen C4707243, MONDO:0019625.

Allele frequency attached by ClinVar (database versions not stated): TOPMed below 0.00001; gnomAD 0.00001.
gnomAD v4.1: 1 of 1,613,942 alleles (0.000062%); highest among the groups gnomAD compares: Non-Finnish European, 0.000085%; no homozygotes.

Submissions (2):

Labcorp Genetics (formerly Invitae), Labcorp
Classification: Uncertain significance for Rienhoff syndrome. Last evaluated: 2023-05-15. Review status: criteria provided, single submitter. Criteria: Invitae Variant Classification Sherloc (09022015). Collection method: clinical testing. Allele origin: germline.
Comment: In summary, the available evidence is currently insufficient to determine the role of this variant in disease. Therefore, it has been classified as a Variant of Uncertain Significance. Advanced modeling of protein sequence and biophysical properties (such as structural, functional, and spatial information, amino acid conservation, physicochemical variation, residue mobility, and thermodynamic stability) performed at Invitae indicates that this missense variant is not expected to disrupt TGFB3 protein function. ClinVar contains an entry for this variant (Variation ID: 1478074). This variant has not been reported in the literature in individuals affected with TGFB3-related conditions. This variant is not present in population databases (gnomAD no frequency). This sequence change replaces lysine, which is basic and polar, with arginine, which is basic and polar, at codon 271 of the TGFB3 protein (p.Lys271Arg).

Ambry Genetics
Classification: Uncertain significance for Familial thoracic aortic aneurysm and aortic dissection. Last evaluated: 2020-09-28. Review status: criteria provided, single submitter. Criteria: Ambry Variant Classification Scheme 2023. Collection method: clinical testing. Allele origin: germline.
Comment: The p.K271R variant (also known as c.812A>G), located in coding exon 5 of the TGFB3 gene, results from an A to G substitution at nucleotide position 812. The lysine at codon 271 is replaced by arginine, an amino acid with highly similar properties. This amino acid position is well conserved in available vertebrate species. In addition, this alteration is predicted to be tolerated by in silico analysis. Since supporting evidence is limited at this time, the clinical significance of this alteration remains unclear.

NM_003239.5(TGFB3):c.812A>G (p.Lys271Arg)

Gene: TGFB3 (transforming growth factor beta 3; minus strand). Cytogenetic location: 14q24.3.
Variant type: single nucleotide variant.
Coding change: c.812A>G on transcript NM_003239.5 (MANE Select); coding-DNA position 812, A replaced by G.
Protein change: p.Lys271Arg; replaces lysine 271 with arginine.
Molecular consequence: missense variant.
Genome position (GRCh38, 1-based): chr14:75,963,430, T>C on the plus strand (A>G on the coding strand, the complement: TGFB3 is on the minus strand). VCF-style: chr14-75963430-T-C. GRCh37 (hg19) VCF-style: chr14-76429773-T-C.
Other names: c.812A>G, p.Lys271Arg (NM_001329938.2, NM_001329939.2); short protein forms K271R.
Identifiers: ClinVar variation 1478074 (VCV001478074.8), dbSNP rs2035183279, ClinGen allele CA390468539.